The following is an entry in ClinVar:

NM_001366385.1(CARD14):c.-20-36A>C

Gene: CARD14 (caspase recruitment domain family member 14; plus strand). Cytogenetic location: 17q25.3.
Variant type: single nucleotide variant.
Coding change: c.-20-36A>C on transcript NM_001366385.1 (MANE Select); 36 bases into the intron before 20 bases upstream of the start codon, A replaced by C.
Molecular consequence: intron variant.
Genome position (GRCh38, 1-based): chr17:80,181,383, A>C. VCF-style: chr17-80181383-A-C. GRCh37 (hg19) VCF-style: chr17-78155182-A-C.
Other names: c.-20-36A>C (NM_024110.4, NM_001257970.1).
Identifiers: ClinVar variation 1260535 (VCV001260535.5), dbSNP rs9906472, ClinGen allele CA14469976.
Genomic context (GRCh38, chr17:80,181,383, plus strand): 5'-AATTTTACGATGGAGTTGATTTTAAAACGGTGTCACCCTGGCTATCCTGGGGTCCTGCTT[A>C]CCTGACAACTCCACCCCCATGGCCACCCCTCCTAGGGTCCTCCCAGCGCCCAGCCATGGG-3'

ClinVar aggregate classification (germline): Benign. Review status: criteria provided, multiple submitters, no conflicts (2 of 4 stars). 3 submissions from 3 submitters: Benign (3). Last evaluated 2023-11-12.

Allele frequency attached by ClinVar (database versions not stated): gnomAD exomes 0.53558; TOPMed 0.58892; 1000 Genomes Project 30x 0.63632; 1000 Genomes Project 0.63818.
gnomAD v4.1: 810,463 of 1,495,346 alleles (54%); highest among the groups gnomAD compares: African/African-American, 79%; 224,182 homozygotes.

Submissions (3):

Unidad de Genómica Garrahan, Hospital de Pediatría Garrahan
Classification: Benign. Last evaluated: 2023-11-12. Review status: criteria provided, single submitter. Criteria: ACMG Guidelines, 2015. Collection method: clinical testing. Allele origin: germline. Affected: no. Observed: 61 variant alleles.
Comment: This variant is classified as Benign based on local population frequency. This variant was detected in 64% of patients studied by a panel of primary immunodeficiencies. Number of patients: 61. Only high quality variants are reported.

GeneDx
Classification: Benign. Last evaluated: 2018-07-09. Review status: criteria provided, single submitter. Criteria: GeneDx Variant Classification Process June 2021. Collection method: clinical testing. Allele origin: germline. Affected: yes.

Breakthrough Genomics
Classification: Benign. Review status: criteria provided, single submitter. Criteria: ACMG Guidelines, 2015. Collection method: not provided. Allele origin: germline. Inheritance: Autosomal dominant inheritance. Affected: yes.